The following is an entry in ClinVar:

ClinVar aggregate classification (germline): Pathogenic (1 of 4 stars; one submission).

Conditions:
Hereditary cancer-predisposing syndrome. Also called: Neoplastic Syndromes, Hereditary; Tumor predisposition; Hereditary neoplastic syndrome; Hereditary Cancer Syndrome. Identifiers: Orphanet 140162, MedGen C0027672, MeSH D009386, MONDO:0015356.

Submission:

Ambry Genetics
Classification: Pathogenic for Hereditary cancer-predisposing syndrome. Last evaluated: 2018-04-12. Review status: criteria provided, single submitter. Criteria: Ambry Variant Classification Scheme 2023. Collection method: clinical testing. Allele origin: germline.
Comment: The c.830_836dupACTGTGG pathogenic mutation, located in coding exon 6 of the STK11 gene, results from a duplication of ACTGTGG at nucleotide position 830, causing a translational frameshift with a predicted alternate stop codon (p.P280Lfs*7). This alteration is expected to result in loss of function by premature protein truncation or nonsense-mediated mRNA decay. As such, this alteration is interpreted as a disease-causing mutation.

NM_000455.5(STK11):c.830_836dup (p.Pro280fs)

Gene: STK11 (serine/threonine kinase 11; plus strand). Cytogenetic location: 19p13.3.
Variant type: Duplication.
Coding change: c.830_836dup on transcript NM_000455.5 (MANE Select); coding-DNA positions 830 to 836, 7 bases duplicated (ACTGTGG; older notation c.830_836dupACTGTGG).
Protein change: p.Pro280fs; shifts the reading frame from proline 280.
Molecular consequence: frameshift variant.
Genome position (GRCh38, 1-based): chr19:1,221,308-1,221,314, ACTGTGG duplicated; duplicating any 7 consecutive bases within chr19:1,221,307-1,221,314 gives the same sequence; the c. name uses the placement nearest the transcript's 3' end. VCF-style (leftmost placement, unchanged base first): chr19-1221306-C-CGACTGTG. GRCh37 (hg19) VCF-style: chr19-1221305-C-CGACTGTG.
Other names: short protein forms P280fs.
Identifiers: ClinVar variation 827570 (VCV000827570.4), dbSNP rs1599927689, ClinGen allele CA915951590.